The following is an entry in ClinVar:

ClinVar aggregate classification (germline): Pathogenic/Likely pathogenic. Review status: criteria provided, multiple submitters, no conflicts (2 of 4 stars). 2 submissions from 2 submitters: Pathogenic (1); Likely pathogenic (1). Last evaluated 2025-07-18.

Conditions:
Hermansky-Pudlak syndrome 9 (HPS9). Identifiers: Orphanet 280663, Orphanet 79430, MedGen C3280026, MONDO:0013606, OMIM 614171.

Submissions (2):

First Genomix Gene Laboratory, Genetic Diagnostics Department
Classification: Likely pathogenic for Hermansky-Pudlak syndrome 9. Last evaluated: 2025-07-18. Review status: criteria provided, single submitter. Criteria: ACMG Guidelines, 2015. Collection method: clinical testing. Allele origin: germline. Inheritance: Autosomal recessive inheritance. Affected: no. Observed: 1 variant allele.

CeGaT Center for Human Genetics Tuebingen
Classification: Pathogenic. Last evaluated: 2019-01-01. Review status: criteria provided, single submitter. Criteria: CeGaT Center For Human Genetics Tuebingen Variant Classification Criteria Version 2. Collection method: clinical testing. Allele origin: germline. Affected: yes. Observed: 1 variant allele.

NM_012388.4(BLOC1S6):c.318_320delinsAT (p.Glu107fs)

Gene: BLOC1S6 (biogenesis of lysosomal organelles complex 1 subunit 6; plus strand). Cytogenetic location: 15q21.1.
Variant type: Indel.
Coding change: c.318_320delinsAT on transcript NM_012388.4 (MANE Select); coding-DNA positions 318 to 320, TGA replaced by AT.
Protein change: p.Glu107fs; shifts the reading frame from glutamic acid 107.
Molecular consequence: frameshift variant. On other transcripts: non-coding transcript variant (9).
Genome position (GRCh38, 1-based): chr15:45,605,433-45,605,435, TGA replaced by AT. VCF-style: chr15-45605433-TGA-AT. GRCh37 (hg19) VCF-style: chr15-45897631-TGA-AT.
Other names: c.333_335delinsAT, p.Glu112fs (NM_001311255.1); c.245_247delinsAT, p.Leu82fs (NM_001311256.1); short protein forms E107fs, E112fs, L82fs.
Identifiers: ClinVar variation 1701258 (VCV001701258.32), dbSNP rs2140918945, ClinGen allele CA2580089509.